The following is an entry in ClinVar:

NM_004415.4(DSP):c.4180C>T (p.Gln1394Ter)

Gene: DSP (desmoplakin; plus strand). Cytogenetic location: 6p24.3.
Variant type: single nucleotide variant.
Coding change: c.4180C>T on transcript NM_004415.4 (MANE Select); coding-DNA position 4180, C replaced by T.
Protein change: p.Gln1394Ter; replaces glutamine 1394 with a stop codon.
Molecular consequence: nonsense. On other transcripts: intron variant (2).
Genome position (GRCh38, 1-based): chr6:7,580,370, C>T. VCF-style: chr6-7580370-C-T. GRCh37 (hg19) VCF-style: chr6-7580603-C-T.
Other names: c.4050+130C>T (NM_001319034.2); c.3582+598C>T (NM_001008844.3); c.4180C>T (NM_004415.3); short protein forms Q1394*.
Identifiers: ClinVar variation 162505 (VCV000162505.14), dbSNP rs140474226, ClinGen allele CA004405.
Genomic context (GRCh38, chr6:7,580,370, plus strand): 5'-AAGACCACCATCCACCAGCTCACCATGCAGAAGGAAGAGGATACCAGTGGCTACCGGGCT[C>T]AGATAGACAATCTCACCCGAGAAAACAGGAGCTTATCTGAAGAAATAAAGAGGCTGAAGA-3'

ClinVar aggregate classification (germline): Pathogenic/Likely pathogenic. Review status: criteria provided, multiple submitters, no conflicts (2 of 4 stars). 5 submissions from 5 submitters: Pathogenic (4); Likely pathogenic (1). Last evaluated 2026-06-08.

Conditions:
DSP-related disorder. Also called: DSP-related disorders; DSP-related condition.
Cardiovascular phenotype. Identifiers: MedGen CN230736.
Arrhythmogenic cardiomyopathy with wooly hair and keratoderma. Also called: Carvajal syndrome; Dilated cardiomyopathy with woolly hair and keratoderma; PALMOPLANTAR KERATODERMA WITH LEFT VENTRICULAR CARDIOMYOPATHY AND WOOLLY HAIR; Arrhythmogenic cardiomyopathy with woolly hair and keratoderma. Identifiers: Orphanet 65282, MedGen C1854063, MONDO:0011581, OMIM 605676.
Arrhythmogenic right ventricular dysplasia 8 (ARVD8). Also called: Arrhythmogenic Right Ventricular Dysplasia/Cardiomyopathy 8; ARRHYTHMOGENIC RIGHT VENTRICULAR DYSPLASIA, FAMILIAL, 8; ARRHYTHMOGENIC RIGHT VENTRICULAR CARDIOMYOPATHY 8. Identifiers: MedGen C1843896, MONDO:0011831, OMIM 607450.
Arrhythmogenic right ventricular cardiomyopathy (ARVD). Also called: Cardiomyopathy, ARVC; Arrhythmogenic right ventricular dysplasia; Arrhythmogenic cardiomyopathy; Arrhythmogenic Right Ventricular Cardiomyopathy (ARVC). Identifiers: Orphanet 247, MedGen C0349788, MeSH D019571, MONDO:0016587. Disease mechanism: loss of function. Inheritance: Various modes of inheritance.

Allele frequency attached by ClinVar (database versions not stated): gnomAD exomes below 0.00001; ExAC 0.00001; ESP Exome Variant Server 0.00008.
gnomAD v4.1: 3 of 1,614,094 alleles (0.00019%); highest among the groups gnomAD compares: Non-Finnish European, 0.00025%; no homozygotes.

Submissions (5):

Ambry Genetics
Classification: Pathogenic for Cardiovascular phenotype. Last evaluated: 2026-06-08. Review status: criteria provided, single submitter. Criteria: Ambry Variant Classification Scheme 2023. Collection method: clinical testing. Allele origin: germline.
Comment: The p.Q1394* pathogenic mutation (also known as c.4180C>T), located in coding exon 23 of the DSP gene, results from a C to T substitution at nucleotide position 4180. This changes the amino acid from a glutamine to a stop codon within coding exon 23. This variant was reported in individual(s) with features consistent with DSP-related cardiomyopathy (Khera AV et al. J Am Coll Cardiol, 2019 Nov;74:2623-2634; Bonaventura J et al. J Am Heart Assoc, 2024 May;13:e033565; Gasperetti A et al. Eur Heart J, 2025 Jan;46:362-376). This variant was detected in a cardiomyopathy/arrhythmia genetic testing cohort; however, clinical details were limited, and additional cardiac variants were detected in some cases (van Lint FHM et al. Neth Heart J, 2019 Jun;27:304-309). This variant is considered to be rare based on population cohorts in the Genome Aggregation Database (gnomAD). This alteration is expected to result in loss of function by premature protein truncation or nonsense-mediated mRNA decay. As such, this alteration is interpreted as a disease-causing mutation.

Labcorp Genetics (formerly Invitae), Labcorp
Classification: Pathogenic for Arrhythmogenic cardiomyopathy with wooly hair and keratoderma; Arrhythmogenic right ventricular dysplasia 8. Last evaluated: 2025-07-20. Review status: criteria provided, single submitter. Criteria: Invitae Variant Classification Sherloc (09022015). Collection method: clinical testing. Allele origin: germline.
Comment: This sequence change creates a premature translational stop signal (p.Gln1394*) in the DSP gene. It is expected to result in an absent or disrupted protein product. Loss-of-function variants in DSP are known to be pathogenic (PMID: 20716751, 24503780, 25227139). This variant is present in population databases (rs140474226, gnomAD 0.0009%). This premature translational stop signal has been observed in individual(s) with DSP-related conditions (PMID: 30847666, 31727422, 31737537). ClinVar contains an entry for this variant (Variation ID: 162505). For these reasons, this variant has been classified as Pathogenic.

Molecular Diagnostic Laboratory for Inherited Cardiovascular Disease, Montreal Heart Institute
Classification: Pathogenic for Cardiovascular phenotype. Last evaluated: 2025-04-24. Review status: criteria provided, single submitter. Criteria: ACMG Guidelines, 2015. Collection method: clinical testing. Allele origin: germline. Affected: yes.
Comment: PVS1, PS4_mod, PM2

Blueprint Genetics
Classification: Pathogenic for DSP-related disorders. Last evaluated: 2024-07-08. Review status: criteria provided, single submitter. Criteria: ACMG Guidelines, 2015. Collection method: clinical testing. Allele origin: germline. Affected: yes. Observed: 2 variant alleles.

CSER _CC_NCGL, University of Washington
Classification: Likely pathogenic for Arrhythmogenic right ventricular dysplasia. Last evaluated: 2014-06-01. Review status: criteria provided, single submitter. Criteria: Amendola et al. (Genome Res. 2015). Collection method: research. Allele origin: germline. Inheritance: Autosomal dominant inheritance. Study: ESP 6500 variant annotation.
Comment: Variants classified for the Actionable exomic incidental findings in 6503 participants: challenges of variant classification manuscript

Literature cited by the submitters: PubMed 30847666 (cited by Ambry Genetics and Labcorp Genetics (formerly Invitae), Labcorp); PubMed 31727422 (cited by Ambry Genetics and Labcorp Genetics (formerly Invitae), Labcorp); PubMed 38757491 (cited by Ambry Genetics); PubMed 39288222 (cited by Ambry Genetics); PubMed 20716751 (cited by Labcorp Genetics (formerly Invitae), Labcorp); PubMed 24503780 (cited by Labcorp Genetics (formerly Invitae), Labcorp); PubMed 25227139 (cited by Labcorp Genetics (formerly Invitae), Labcorp); PubMed 31737537 (cited by Labcorp Genetics (formerly Invitae), Labcorp).